The following is an entry in ClinVar:

NM_003742.4(ABCB11):c.1851G>T (p.Leu617Phe)

Gene: ABCB11 (ATP binding cassette subfamily B member 11; minus strand). Cytogenetic location: 2q31.1.
Variant type: single nucleotide variant.
Coding change: c.1851G>T on transcript NM_003742.4 (MANE Select); coding-DNA position 1851, G replaced by T.
Protein change: p.Leu617Phe; replaces leucine 617 with phenylalanine.
Molecular consequence: missense variant.
Genome position (GRCh38, 1-based): chr2:168,969,510, C>A on the plus strand (G>T on the coding strand, the complement: ABCB11 is on the minus strand). VCF-style: chr2-168969510-C-A. GRCh37 (hg19) VCF-style: chr2-169826020-C-A.
Other names: short protein forms L617F.
Identifiers: ClinVar variation 3339770 (VCV003339770.2).

ClinVar aggregate classification (germline): Uncertain significance. Review status: criteria provided, multiple submitters, no conflicts (2 of 4 stars). 2 submissions from 2 submitters: Uncertain significance (2). Last evaluated 2026-04-14.

Conditions:
Familial intrahepatic cholestasis. Identifiers: Orphanet 284385, MedGen CN296401, MONDO:0017290.

gnomAD v4.1: 2 of 1,612,544 alleles (0.00012%); highest among the groups gnomAD compares: Non-Finnish European, 0.00017%; no homozygotes.

Submissions (2):

Genomenon, Inc
Classification: Uncertain significance for Familial intrahepatic cholestasis. Last evaluated: 2026-04-14. Review status: criteria provided, single submitter. Criteria: Genomenon Sequence Variant Interpretation Standards - Updated. Collection method: curation. Allele origin: germline. Affected: no.
Comment: ABCB11 p.Leu617Phe (c.1851G>T) is a missense variant that changes the amino acid at residue 617 from Leucine to Phenylalanine. This variant has been reported in the published literature (PMID:32650689). It is absent or not present at a significant frequency in gnomAD. In conclusion, we classify ABCB11 p.Leu617Phe (c.1851G>T) as a variant of uncertain significance.

Women's Health and Genetics/Laboratory Corporation of America, LabCorp
Classification: Uncertain significance. Last evaluated: 2024-06-03. Review status: criteria provided, single submitter. Criteria: LabCorp Variant Classification Summary - May 2015. Collection method: clinical testing. Allele origin: germline.
Comment: Variant summary: ABCB11 c.1851G>T (p.Leu617Phe) results in a non-conservative amino acid change located in the ABC transporter-like, ATP-binding domain (IPR003439) of the encoded protein sequence. Five of five in-silico tools predict a damaging effect of the variant on protein function. The variant allele was found at a frequency of 4e-06 in 247648 control chromosomes. The available data on variant occurrences in the general population are insufficient to allow any conclusion about variant significance. c.1851G>T has been reported in the literature as heterozygous in an individual affected with Intrahepatic Cholestasis (Gouveia_2020). This report does not provide unequivocal conclusions about association of the variant with Familial Intrahepatic Cholestasis. To our knowledge, no experimental evidence demonstrating an impact on protein function has been reported. The following publication has been ascertained in the context of this evaluation (PMID: 32650689). No submitters have cited clinical-significance assessments for this variant to ClinVar. Based on the evidence outlined above, the variant was classified as uncertain significance.

Literature cited by the submitters: PubMed 32650689 (cited by Genomenon, Inc and Women's Health and Genetics/Laboratory Corporation of America, LabCorp).